The following is an entry in ClinVar:

ClinVar aggregate classification (germline): Uncertain significance (1 of 4 stars; one submission).

Allele frequency attached by ClinVar (database versions not stated): TOPMed below 0.00001; ESP Exome Variant Server 0.00008.

Submission:

Labcorp Genetics (formerly Invitae), Labcorp
Classification: Uncertain significance. Last evaluated: 2022-06-13. Review status: criteria provided, single submitter. Criteria: Invitae Variant Classification Sherloc (09022015). Collection method: clinical testing. Allele origin: germline.
Comment: In summary, the available evidence is currently insufficient to determine the role of this variant in disease. Therefore, it has been classified as a Variant of Uncertain Significance. Algorithms developed to predict the effect of missense changes on protein structure and function (SIFT, PolyPhen-2, Align-GVGD) all suggest that this variant is likely to be disruptive. This variant has not been reported in the literature in individuals affected with CACNA1E-related conditions. This variant is not present in population databases (gnomAD no frequency). This sequence change replaces histidine, which is basic and polar, with tyrosine, which is neutral and polar, at codon 1804 of the CACNA1E protein (p.His1804Tyr).

NM_001205293.3(CACNA1E):c.5410C>T (p.His1804Tyr)

Gene: CACNA1E (calcium voltage-gated channel subunit alpha1 E; plus strand). Cytogenetic location: 1q25.3.
Variant type: single nucleotide variant.
Coding change: c.5410C>T on transcript NM_001205293.3 (MANE Select); coding-DNA position 5410, C replaced by T.
Protein change: p.His1804Tyr; replaces histidine 1804 with tyrosine.
Molecular consequence: missense variant.
Genome position (GRCh38, 1-based): chr1:181,783,724, C>T. VCF-style: chr1-181783724-C-T. GRCh37 (hg19) VCF-style: chr1-181752860-C-T.
Other names: c.5410C>T, p.His1804Tyr (NM_000721.4); c.5353C>T, p.His1785Tyr (NM_001205294.2); short protein forms H1785Y, H1804Y.
Identifiers: ClinVar variation 1445126 (VCV001445126.8), dbSNP rs369943758, ClinGen allele CA33849726.